The following is an entry in ClinVar:

ClinVar aggregate classification (germline): Uncertain significance (1 of 4 stars; one submission).

Conditions:
Duchenne muscular dystrophy (DMD). Also called: MUSCULAR DYSTROPHY, PSEUDOHYPERTROPHIC PROGRESSIVE, DUCHENNE TYPE; Duchenne Muscular Dystrophy (DMD). Identifiers: Orphanet 98896, MedGen C0013264, MONDO:0010679, OMIM 310200.

Submission:

Labcorp Genetics (formerly Invitae), Labcorp
Classification: Uncertain significance for Duchenne muscular dystrophy. Last evaluated: 2024-04-15. Review status: criteria provided, single submitter. Criteria: Invitae Variant Classification Sherloc (09022015). Collection method: clinical testing. Allele origin: germline.
Comment: This sequence change falls in intron 29 of the DMD gene. It does not directly change the encoded amino acid sequence of the DMD protein. It affects a nucleotide within the consensus splice site. This variant is not present in population databases (gnomAD no frequency). This variant has not been reported in the literature in individuals affected with DMD-related conditions. Variants that disrupt the consensus splice site are a relatively common cause of aberrant splicing (PMID: 17576681, 9536098). Algorithms developed to predict the effect of sequence changes on RNA splicing suggest that this variant is not likely to affect RNA splicing. In summary, the available evidence is currently insufficient to determine the role of this variant in disease. Therefore, it has been classified as a Variant of Uncertain Significance.

Literature cited by the submitters: PubMed 17576681; PubMed 9536098.

NM_004006.3(DMD):c.4071+5G>A

Gene: DMD (dystrophin; minus strand). Cytogenetic location: Xp21.1.
Variant type: single nucleotide variant.
Coding change: c.4071+5G>A on transcript NM_004006.3 (MANE Select); 5 bases into the intron after coding-DNA position 4071, G replaced by A.
Molecular consequence: intron variant.
Genome position (GRCh38, 1-based): chrX:32,438,236, C>T on the plus strand (G>A on the coding strand, the complement: DMD is on the minus strand). VCF-style: chrX-32438236-C-T. GRCh37 (hg19) VCF-style: chrX-32456353-C-T.
Other names: c.4047+5G>A (NM_000109.4); c.4059+5G>A (NM_004009.3); c.3702+5G>A (NM_004010.3).
Identifiers: ClinVar variation 3614854 (VCV003614854.2).
Genomic context (GRCh38, chrX:32,438,236, plus strand): 5'-GAGGCCTGTATCTGCTATACATTAATGCAAATTAGATTAAAGAGATTTTTCACTTATCTT[C>T]ATACCTCTTCATGTAGTTCCCTCCAACGAGAATTAAATGTCTCAAGTTCCTCATTGATTA-3'